The following is an entry in ClinVar:

ClinVar aggregate classification (germline): Conflicting classifications of pathogenicity. Review status: criteria provided, conflicting classifications (1 of 4 stars). 5 submissions from 5 submitters: Uncertain significance (2); Likely benign (3). Last evaluated 2026-03-24.

Conditions:
MCPH1-related disorder. Also called: MCPH1-related condition.
Microcephaly 1, primary, autosomal recessive (MCPH1). Also called: PREMATURE CHROMOSOME CONDENSATION SYNDROME; PCC SYNDROME; PREMATURE CHROMOSOME CONDENSATION WITH MICROCEPHALY AND MENTAL RETARDATION. Identifiers: Orphanet 2512, MedGen C1855081, MONDO:0009617, OMIM 251200.

Allele frequency attached by ClinVar (database versions not stated): gnomAD exomes 0.00023; ExAC 0.00024; gnomAD 0.00089; TOPMed 0.00094; 1000 Genomes Project 0.00100; 1000 Genomes Project 30x 0.00141; ESP Exome Variant Server 0.00144.
gnomAD v4.1: 242 of 1,613,140 alleles (0.015%); highest among the groups gnomAD compares: African/African-American, 0.3%; no homozygotes.

Submissions (5):

PreventionGenetics, part of Exact Sciences
Classification: Likely benign for MCPH1-related condition. Last evaluated: 2026-03-24. Review status: criteria provided, single submitter. Criteria: ACMG Guidelines, 2015. Collection method: clinical testing. Allele origin: germline.
Comment: This variant is classified as likely benign based on ACMG/AMP sequence variant interpretation guidelines (Richards et al. 2015 PMID: 25741868, with internal and published modifications).

Labcorp Genetics (formerly Invitae), Labcorp
Classification: Likely benign. Last evaluated: 2026-01-28. Review status: criteria provided, single submitter. Criteria: Invitae Variant Classification Sherloc (09022015). Collection method: clinical testing. Allele origin: germline.

Women's Health and Genetics/Laboratory Corporation of America, LabCorp
Classification: Likely benign. Last evaluated: 2025-05-20. Review status: criteria provided, single submitter. Criteria: LabCorp Variant Classification Summary - May 2015. Collection method: clinical testing. Allele origin: germline.
Comment: Variant summary: MCPH1 c.1951G>A (p.Val651Ile) results in a conservative amino acid change in the encoded protein sequence. Algorithms developed to predict the effect of missense changes on protein structure and function are either unavailable or do not agree on the potential impact of this missense change. The variant allele was found at a frequency of 0.00023 in 249346 control chromosomes, predominantly at a frequency of 0.0036 within the African or African-American subpopulation in the gnomAD database. The observed variant frequency within African or African-American control individuals in the gnomAD database is approximately 4 fold of the estimated maximal expected allele frequency for a pathogenic variant in MCPH1 causing Primary microcephaly phenotype (0.00091). To our knowledge, no occurrence of c.1951G>A in individuals affected with Primary microcephaly and no experimental evidence demonstrating its impact on protein function have been reported. ClinVar contains an entry for this variant (Variation ID: 158833). Based on the evidence outlined above, the variant was classified as likely benign.

Illumina Laboratory Services, Illumina
Classification: Uncertain significance for Microcephaly 1, primary, autosomal recessive. Last evaluated: 2018-01-13. Review status: criteria provided, single submitter. Criteria: ICSL Variant Classification Criteria 13 December 2019. Collection method: clinical testing. Allele origin: germline.

Genetic Services Laboratory, University of Chicago
Classification: Uncertain significance for Microcephaly 1, primary, autosomal recessive. Last evaluated: 2013-04-16. Review status: criteria provided, single submitter. Criteria: ACMG Guidelines, 2007. Collection method: clinical testing. Allele origin: germline. Inheritance: Autosomal recessive inheritance.

NM_024596.5(MCPH1):c.1951G>A (p.Val651Ile)

Gene: MCPH1 (microcephalin 1; plus strand). Cytogenetic location: 8p23.1.
Variant type: single nucleotide variant.
Coding change: c.1951G>A on transcript NM_024596.5 (MANE Select); coding-DNA position 1951, G replaced by A.
Protein change: p.Val651Ile; replaces valine 651 with isoleucine.
Molecular consequence: missense variant. On other transcripts: intron variant (1).
Genome position (GRCh38, 1-based): chr8:6,477,609, G>A. VCF-style: chr8-6477609-G-A. GRCh37 (hg19) VCF-style: chr8-6335130-G-A.
Other names: c.1951G>A, p.Val651Ile (NM_001322042.2, NM_001363979.1); c.1935+22357G>A (NM_001363980.2); c.1951G>A (NM_001322042.1); short protein forms V651I.
Identifiers: ClinVar variation 158833 (VCV000158833.19), dbSNP rs138218829, ClinGen allele CA271692.